The following is an entry in ClinVar:

NM_206933.4(USH2A):c.6520G>T (p.Glu2174Ter)

Gene: USH2A (usherin; minus strand). Cytogenetic location: 1q41.
Variant type: single nucleotide variant.
Coding change: c.6520G>T on transcript NM_206933.4 (MANE Select); coding-DNA position 6520, G replaced by T.
Protein change: p.Glu2174Ter; replaces glutamic acid 2174 with a stop codon.
Molecular consequence: nonsense.
Genome position (GRCh38, 1-based): chr1:215,999,024, C>A on the plus strand (G>T on the coding strand, the complement: USH2A is on the minus strand). VCF-style: chr1-215999024-C-A. GRCh37 (hg19) VCF-style: chr1-216172366-C-A.
Other names: short protein forms E2174*.
Identifiers: ClinVar variation 2679471 (VCV002679471.5), dbSNP rs2527619261, ClinGen allele CA344861448.
Genomic context (GRCh38, chr1:215,999,024, plus strand): 5'-AGATGACACTCCAAATTGTAAAATCATGTGTATGGTTTGACATATATAATACATAGCGTT[C>A]CAGAATCCCACTTATTTTTCTTGGTTGTTTCCACCTGGGAATGGTAAAATACATTATTAT-3'

ClinVar aggregate classification (germline): Pathogenic/Likely pathogenic. Review status: criteria provided, multiple submitters, no conflicts (2 of 4 stars). 3 submissions from 3 submitters: Pathogenic (1); Likely pathogenic (2). Last evaluated 2024-06-23.

Conditions:
Retinitis pigmentosa 39 (RP39). Identifiers: Orphanet 791, MedGen C3151138, MONDO:0013436, OMIM 613809.
Usher syndrome type 2A. Also called: RETINAL DISEASE IN USHER SYNDROME TYPE IIA, MODIFIER OF; USHER SYNDROME, TYPE IIA. Identifiers: Orphanet 231178, Orphanet 886, MedGen C1848634, MONDO:0010169, OMIM 276901.

Submissions (3):

Fulgent Genetics
Classification: Likely pathogenic for Usher syndrome type 2A; Retinitis pigmentosa 39. Last evaluated: 2024-06-23. Review status: criteria provided, single submitter. Criteria: ACMG Guidelines, 2015. Collection method: clinical testing. Allele origin: germline.

Baylor Genetics
Classification: Likely pathogenic for Retinitis pigmentosa 39. Last evaluated: 2023-08-18. Review status: criteria provided, single submitter. Criteria: ACMG Guidelines, 2015. Collection method: clinical testing. Allele origin: unknown.

Labcorp Genetics (formerly Invitae), Labcorp
Classification: Pathogenic. Last evaluated: 2023-03-20. Review status: criteria provided, single submitter. Criteria: Invitae Variant Classification Sherloc (09022015). Collection method: clinical testing. Allele origin: germline.
Comment: This variant is not present in population databases (gnomAD no frequency). This sequence change creates a premature translational stop signal (p.Glu2174*) in the USH2A gene. It is expected to result in an absent or disrupted protein product. Loss-of-function variants in USH2A are known to be pathogenic (PMID: 10729113, 10909849, 20507924, 25649381). This variant has not been reported in the literature in individuals affected with USH2A-related conditions. Algorithms developed to predict the effect of sequence changes on RNA splicing suggest that this variant may disrupt the consensus splice site. For these reasons, this variant has been classified as Pathogenic.

Literature cited by the submitters: PubMed 10729113 (cited by Labcorp Genetics (formerly Invitae), Labcorp); PubMed 10909849 (cited by Labcorp Genetics (formerly Invitae), Labcorp); PubMed 20507924 (cited by Labcorp Genetics (formerly Invitae), Labcorp); PubMed 25649381 (cited by Labcorp Genetics (formerly Invitae), Labcorp).